The following is an entry in ClinVar:

ClinVar aggregate classification (germline): Conflicting classifications of pathogenicity. Review status: criteria provided, conflicting classifications (1 of 4 stars). 6 submissions from 6 submitters: Uncertain significance (3); Likely benign (1). 2 of the submissions do not count toward it. Last evaluated 2025-08-07.

Conditions:
BRCA2-related cancer predisposition. Identifiers: MedGen CN377758, MONDO:0700269.
Hereditary cancer-predisposing syndrome. Also called: Hereditary Cancer Syndrome; Tumor predisposition; Neoplastic Syndromes, Hereditary; Hereditary neoplastic syndrome. Identifiers: Orphanet 140162, MedGen C0027672, MeSH D009386, MONDO:0015356.
Hereditary breast ovarian cancer syndrome. Also called: Breast and ovarian cancer; BRCA1- and BRCA2-Associated Hereditary Breast and Ovarian Cancer; Hereditary breast and ovarian cancer; Hereditary breast and ovarian cancer syndrome (HBOC); Hereditary breast and ovarian cancer syndrome; Hereditary breast and/or ovarian cancer syndrome. Identifiers: Orphanet 145, MedGen C0677776, MeSH D061325, MONDO:0003582. Disease mechanism: loss of function.
Breast-ovarian cancer, familial, susceptibility to, 2 (BROVCA2). Also called: BRCA2 Hereditary Breast and Ovarian Cancer. Identifiers: Orphanet 145, MedGen C2675520, MONDO:0012933, OMIM 612555. Disease mechanism: loss of function.

Allele frequency attached by ClinVar (database versions not stated): TOPMed 0.00002.

Submissions (6):

Labcorp Genetics (formerly Invitae), Labcorp
Classification: Uncertain significance for Hereditary breast ovarian cancer syndrome. Last evaluated: 2025-08-07. Review status: criteria provided, single submitter. Criteria: Invitae Variant Classification Sherloc (09022015). Collection method: clinical testing. Allele origin: germline.
Comment: This sequence change replaces serine, which is neutral and polar, with glycine, which is neutral and non-polar, at codon 3058 of the BRCA2 protein (p.Ser3058Gly). This variant is not present in population databases (gnomAD no frequency). This variant has not been reported in the literature in individuals affected with BRCA2-related conditions. ClinVar contains an entry for this variant (Variation ID: 52766). Invitae Evidence Modeling incorporating data from in vitro experimental studies (PMID: 33609447) indicates that this missense variant is not expected to disrupt BRCA2 function with a negative predictive value of 95%. Experimental studies have shown that this missense change does not substantially affect BRCA2 function (PMID: 29394989). In summary, the available evidence is currently insufficient to determine the role of this variant in disease. Therefore, it has been classified as a Variant of Uncertain Significance.

All of Us Research Program, National Institutes of Health
Classification: Uncertain significance for BRCA2-related cancer predisposition. Last evaluated: 2024-08-13. Review status: criteria provided, single submitter. Criteria: ACMG Guidelines, 2015. Collection method: clinical testing. Allele origin: germline. Inheritance: Autosomal dominant inheritance. Observed: 1 variant allele, 1 heterozygote.
Comment: This missense variant replaces serine with glycine at codon 3058 of the BRCA2 protein. Computational prediction suggests that this variant may not impact protein structure and function. Functional studies have reported that this variant does not impact BRCA2 function in homology-directed DNA repair assays (PMID: 29394989, 33609447). Multifactorial analyses have reported likelihood ratios for pathogenicity based on personal and family history and co-occurrence with a pathogenic variant of 0.684 and 0.580, respectively (PMID: 31131967, 31853058). This variant has not been identified in the general population by the Genome Aggregation Database (gnomAD). The available evidence is insufficient to determine the role of this variant in disease conclusively. Therefore, this variant is classified as a Variant of Uncertain Significance.

This study involves interpretation of variants in research participants for the purpose of population health screening. Participant phenotype was not available at the time of variant classification. Additional details can be found in publication PMID: 35346344, PMCID: PMC8962531

CeGaT Center for Human Genetics Tuebingen
Classification: Uncertain significance. Last evaluated: 2022-10-01. Review status: criteria provided, single submitter. Criteria: CeGaT Center For Human Genetics Tuebingen Variant Classification Criteria Version 2. Collection method: clinical testing. Allele origin: germline. Affected: yes. Observed: 1 variant allele.
Comment: BRCA2: PM2, BP4

Ambry Genetics
Classification: Likely benign for Hereditary cancer-predisposing syndrome. Last evaluated: 2019-12-06. Review status: criteria provided, single submitter. Criteria: Ambry Variant Classification Scheme 2023. Collection method: clinical testing. Allele origin: germline.

Sharing Clinical Reports Project (SCRP)
Classification: Uncertain significance for Breast-ovarian cancer, familial 2. Last evaluated: 2013-09-06. Review status: no assertion criteria provided. Collection method: clinical testing. Allele origin: germline. Not counted in ClinVar's aggregate classification.

Breast Cancer Information Core (BIC) (BRCA2)
Classification: Uncertain significance for Breast-ovarian cancer, familial 2. Last evaluated: 2003-12-23. Review status: no assertion criteria provided. Collection method: clinical testing. Allele origin: germline. Affected: yes. Observed: 1 variant allele. Not counted in ClinVar's aggregate classification.

Literature cited by the submitters: PubMed 33609447 (cited by Labcorp Genetics (formerly Invitae), Labcorp and All of Us Research Program, National Institutes of Health); PubMed 29394989 (cited by 3 submitters); PubMed 31131967 (cited by All of Us Research Program, National Institutes of Health); PubMed 31853058 (cited by All of Us Research Program, National Institutes of Health); PubMed 19043619 (cited by Ambry Genetics).

NM_000059.4(BRCA2):c.9172A>G (p.Ser3058Gly)

Gene: BRCA2 (BRCA2 DNA repair associated; plus strand). Cytogenetic location: 13q13.1.
Variant type: single nucleotide variant.
Coding change: c.9172A>G on transcript NM_000059.4 (MANE Select); coding-DNA position 9172, A replaced by G.
Protein change: p.Ser3058Gly; replaces serine 3058 with glycine.
Molecular consequence: missense variant.
Genome position (GRCh38, 1-based): chr13:32,380,061, A>G. VCF-style: chr13-32380061-A-G. GRCh37 (hg19) VCF-style: chr13-32954198-A-G.
Other names: 9400A>G; short protein forms S3058G.
Identifiers: ClinVar variation 52766 (VCV000052766.37), dbSNP rs80359173, ClinGen allele CA026015.